The following is an entry in ClinVar:

NM_004168.4(SDHA):c.1432+9_1432+11del

Gene: SDHA (succinate dehydrogenase complex flavoprotein subunit A; plus strand). Cytogenetic location: 5p15.33.
Variant type: Deletion.
Coding change: c.1432+9_1432+11del on transcript NM_004168.4 (MANE Select); bases 9 to 11 of the intron after coding-DNA position 1432, 3 bases deleted (TTT; older notation c.1432+9_1432+11delTTT).
Molecular consequence: intron variant.
Genome position (GRCh38, 1-based): chr5:236,608-236,610, TTT deleted; deleting any 3 consecutive bases within chr5:236,607-236,610 gives the same sequence; the c. name uses the placement nearest the transcript's 3' end. VCF-style (leftmost placement, unchanged base first): chr5-236606-GTTT-G. GRCh37 (hg19) VCF-style: chr5-236721-GTTT-G.
Other names: c.1432+9_1432+11del (NM_001330758.2); c.1288+9_1288+11del (NM_001294332.2).
Identifiers: ClinVar variation 1629381 (VCV001629381.9), dbSNP rs2126590852, ClinGen allele CA2573139529.

ClinVar aggregate classification (germline): Likely benign. Review status: criteria provided, multiple submitters, no conflicts (2 of 4 stars). 2 submissions from 2 submitters: Likely benign (2). Last evaluated 2025-06-10.

Conditions:
Pheochromocytoma/paraganglioma syndrome 5. Also called: Paragangliomas 5; SDHA-Related Hereditary Paraganglioma-Pheochromocytoma Syndrome. Identifiers: Orphanet 29072, MedGen C3279992, MONDO:0013602, OMIM 614165.
Mitochondrial complex II deficiency, nuclear type 1. Also called: SUCCINATE CoQ REDUCTASE DEFICIENCY. Identifiers: Orphanet 3208, MedGen C5700310, MONDO:0100294, OMIM 252011.

Submissions (2):

Labcorp Genetics (formerly Invitae), Labcorp
Classification: Likely benign for Pheochromocytoma/paraganglioma syndrome 5; Mitochondrial complex II deficiency, nuclear type 1. Last evaluated: 2025-06-10. Review status: criteria provided, single submitter. Criteria: Invitae Variant Classification Sherloc (09022015). Collection method: clinical testing. Allele origin: germline.

Myriad Genetics, Inc.
Classification: Likely benign for Pheochromocytoma/paraganglioma syndrome 5. Last evaluated: 2025-03-10. Review status: criteria provided, single submitter. Criteria: Myriad Autosomal Dominant, Autosomal Recessive and X-Linked Classification Criteria (2023). Collection method: clinical testing. Allele origin: unknown.
Comment: This variant is considered likely benign. This variant is intronic and is not expected to impact mRNA splicing.